The following is an entry in ClinVar:

ClinVar aggregate classification (germline): Uncertain significance (1 of 4 stars; one submission).

Conditions:
Epidermolysis bullosa simplex with nail dystrophy (EBS5D). Identifiers: MedGen C4225309, MONDO:0014661, OMIM 616487.
Epidermolysis bullosa simplex 5C, with pyloric atresia (EBS5C). Also called: PLEC-Related Epidermolysis Bullosa with Pyloric Atresia; Epidermolysis bullosa simplex with pyloric atresia; PLEC1-Related Epidermolysis Bullosa with Pyloric Atresia. Identifiers: Orphanet 158684, MedGen C2677349, MONDO:0012807, OMIM 612138.
Autosomal recessive limb-girdle muscular dystrophy type 2Q (LGMDR17). Also called: MUSCULAR DYSTROPHY, LIMB-GIRDLE, AUTOSOMAL RECESSIVE 17. Identifiers: Orphanet 254361, MedGen C3150989, MONDO:0013390, OMIM 613723.
Epidermolysis bullosa simplex, Ogna type (EBS5A). Also called: Pidermolysis bullosa simplex 5A, Ogna type; EPIDERMOLYSIS BULLOSA SIMPLEX 5A, OGNA TYPE. Identifiers: Orphanet 79401, MedGen C0432317, MONDO:0007555, OMIM 131950.
Epidermolysis bullosa simplex 5B, with muscular dystrophy (EBS5B). Also called: EPIDERMOLYSIS BULLOSA SIMPLEX AND LIMB-GIRDLE MUSCULAR DYSTROPHY; Epidermolysis bullosa simplex with muscular dystrophy. Identifiers: Orphanet 257, MedGen C2931072, MONDO:0009181, OMIM 226670.

Allele frequency attached by ClinVar (database versions not stated): gnomAD exomes below 0.00001.
gnomAD v4.1: 3 of 1,611,672 alleles (0.00019%); highest among the groups gnomAD compares: African/African-American, 0.0013%; no homozygotes.

Submission:

Labcorp Genetics (formerly Invitae), Labcorp
Classification: Uncertain significance for Autosomal recessive limb-girdle muscular dystrophy type 2Q; Epidermolysis bullosa simplex, Ogna type; Epidermolysis bullosa simplex with nail dystrophy; Epidermolysis bullosa simplex 5C, with pyloric atresia; Epidermolysis bullosa simplex 5B, with muscular dystrophy. Last evaluated: 2025-10-02. Review status: criteria provided, single submitter. Criteria: Invitae Variant Classification Sherloc (09022015). Collection method: clinical testing. Allele origin: germline.
Comment: This sequence change replaces alanine, which is neutral and non-polar, with serine, which is neutral and polar, at codon 4410 of the PLEC protein (p.Ala4410Ser). The frequency data for this variant in the population databases is considered unreliable, as metrics indicate poor data quality at this position in the gnomAD database. This variant has not been reported in the literature in individuals affected with PLEC-related conditions. ClinVar contains an entry for this variant (Variation ID: 2935445). Invitae Evidence Modeling of protein sequence and biophysical properties (such as structural, functional, and spatial information, amino acid conservation, physicochemical variation, residue mobility, and thermodynamic stability) indicates that this missense variant is not expected to disrupt PLEC protein function with a negative predictive value of 80%. In summary, the available evidence is currently insufficient to determine the role of this variant in disease. Therefore, it has been classified as a Variant of Uncertain Significance.

NM_201384.3(PLEC):c.13147G>T (p.Ala4383Ser)

Gene: PLEC (plectin; minus strand). Cytogenetic location: 8q24.3.
Variant type: single nucleotide variant.
Coding change: c.13147G>T on transcript NM_201384.3 (MANE Select); coding-DNA position 13147, G replaced by T.
Protein change: p.Ala4383Ser; replaces alanine 4383 with serine.
Molecular consequence: missense variant.
Genome position (GRCh38, 1-based): chr8:143,916,674, C>A on the plus strand (G>T on the coding strand, the complement: PLEC is on the minus strand). VCF-style: chr8-143916674-C-A. GRCh37 (hg19) VCF-style: chr8-144990842-C-A.
Other names: c.13228G>T, p.Ala4410Ser (NM_000445.5); c.9847G>T, p.Ala3283Ser (NM_001410941.1); c.13105G>T, p.Ala4369Ser (NM_201378.4); c.13081G>T, p.Ala4361Ser (NM_201379.3); c.13558G>T, p.Ala4520Ser (NM_201380.4); c.13051G>T, p.Ala4351Ser (NM_201381.3); c.13147G>T, p.Ala4383Ser (NM_201382.4); c.13159G>T, p.Ala4387Ser (NM_201383.3); short protein forms A4383S, A4361S, A4387S, A3283S, A4369S, A4410S, A4520S, A4351S.
Identifiers: ClinVar variation 2935445 (VCV002935445.3), dbSNP rs1554669881, ClinGen allele CA372476365.